The following is an entry in ClinVar:

NM_014244.5(ADAMTS2):c.3376C>A (p.Pro1126Thr)

Gene: ADAMTS2 (ADAM metallopeptidase with thrombospondin type 1 motif 2; minus strand). Cytogenetic location: 5q35.3.
Variant type: single nucleotide variant.
Coding change: c.3376C>A on transcript NM_014244.5 (MANE Select); coding-DNA position 3376, C replaced by A.
Protein change: p.Pro1126Thr; replaces proline 1126 with threonine.
Molecular consequence: missense variant.
Genome position (GRCh38, 1-based): chr5:179,114,127, G>T on the plus strand (C>A on the coding strand, the complement: ADAMTS2 is on the minus strand). VCF-style: chr5-179114127-G-T. GRCh37 (hg19) VCF-style: chr5-178541128-G-T.
Other names: short protein forms P1126T.
Identifiers: ClinVar variation 849475 (VCV000849475.11), dbSNP rs557070498, ClinGen allele CA3595244.

ClinVar aggregate classification (germline): Uncertain significance. Review status: criteria provided, multiple submitters, no conflicts (2 of 4 stars). 3 submissions from 3 submitters: Uncertain significance (2). 1 of the submissions does not count toward it. Last evaluated 2025-06-26.

Conditions:
Ehlers-Danlos syndrome, dermatosparaxis type. Also called: Dermatosparaxis; Ehlers-Danlos syndrome, type VII, autosomal recessive; EDS VIIC. Identifiers: Orphanet 1901, MedGen C2700425, MONDO:0009161, OMIM 225410.
Inborn genetic diseases. Identifiers: MedGen C0950123, MeSH D030342.

Allele frequency attached by ClinVar (database versions not stated): gnomAD exomes below 0.00001 and 0.00002; ExAC 0.00002; gnomAD 0.00004; TOPMed 0.00004; 1000 Genomes Project 30x 0.00016; 1000 Genomes Project 0.00020.
gnomAD v4.1: 10 of 1,614,044 alleles (0.00062%); highest among the groups gnomAD compares: African/African-American, 0.012%; no homozygotes.

Submissions (3):

Ambry Genetics
Classification: Uncertain significance for Inborn genetic diseases. Last evaluated: 2025-06-26. Review status: criteria provided, single submitter. Criteria: Ambry Variant Classification Scheme 2023. Collection method: clinical testing. Allele origin: germline.

Labcorp Genetics (formerly Invitae), Labcorp
Classification: Uncertain significance for Ehlers-Danlos syndrome, dermatosparaxis type. Last evaluated: 2021-08-31. Review status: criteria provided, single submitter. Criteria: Invitae Variant Classification Sherloc (09022015). Collection method: clinical testing. Allele origin: germline.
Comment: This sequence change replaces proline with threonine at codon 1126 of the ADAMTS2 protein (p.Pro1126Thr). The proline residue is highly conserved and there is a small physicochemical difference between proline and threonine. This variant is present in population databases (rs557070498, ExAC 0.03%). This variant has not been reported in the literature in individuals affected with ADAMTS2-related conditions. Algorithms developed to predict the effect of missense changes on protein structure and function are either unavailable or do not agree on the potential impact of this missense change (SIFT: "Deleterious"; PolyPhen-2: "Benign"; Align-GVGD: "Class C35"). In summary, the available evidence is currently insufficient to determine the role of this variant in disease. Therefore, it has been classified as a Variant of Uncertain Significance.

Natera, Inc.
Classification: Uncertain significance for Ehlers-Danlos syndrome type VIIC. Last evaluated: 2021-02-25. Review status: no assertion criteria provided. Collection method: clinical testing. Allele origin: germline. Not counted in ClinVar's aggregate classification.